The following is an entry in ClinVar:

ClinVar aggregate classification (germline): Uncertain significance. Review status: criteria provided, multiple submitters, no conflicts (2 of 4 stars). 7 submissions from 7 submitters: Uncertain significance (7). Last evaluated 2025-03-01.

Conditions:
Usher syndrome type 1D (USH1D). Also called: USHER SYNDROME, TYPE ID. Identifiers: Orphanet 231169, Orphanet 886, MedGen C1832845, MONDO:0010984, OMIM 601067.
Usher syndrome type 1F (USH1F). Also called: USHER SYNDROME, TYPE IF. Identifiers: Orphanet 231169, Orphanet 886, MedGen C1865885, MONDO:0011186, OMIM 602083.
Autosomal recessive nonsyndromic hearing loss 23. Identifiers: Orphanet 90636, MedGen C1836027, MONDO:0012293, OMIM 609533.
Usher syndrome type 1 (USH1). Also called: RETINITIS PIGMENTOSA AND CONGENITAL DEAFNESS. Identifiers: Orphanet 231169, Orphanet 886, MedGen C1568247, MONDO:0010168, OMIM 276900.

Allele frequency attached by ClinVar (database versions not stated): gnomAD exomes 0.00003 and 0.00006; ExAC 0.00004; gnomAD 0.00004 and 0.00005; TOPMed 0.00007; ESP Exome Variant Server 0.00008; 1000 Genomes Project 0.00020; 1000 Genomes Project 30x 0.00031.
gnomAD v4.1: 92 of 1,613,806 alleles (0.0057%); highest among the groups gnomAD compares: East Asian, 0.082%; no homozygotes.

Submissions (7):

CeGaT Center for Human Genetics Tuebingen
Classification: Uncertain significance. Last evaluated: 2025-03-01. Review status: criteria provided, single submitter. Criteria: CeGaT Center For Human Genetics Tuebingen Variant Classification Criteria Version 2. Collection method: clinical testing. Allele origin: germline. Affected: yes. Observed: 2 variant alleles.
Comment: PCDH15: PM2, PM3

Blueprint Genetics
Classification: Uncertain significance. Last evaluated: 2024-10-22. Review status: criteria provided, single submitter. Criteria: ACMG Guidelines, 2015. Collection method: clinical testing. Allele origin: germline.

Broad Center for Mendelian Genomics, Broad Institute of MIT and Harvard
Classification: Uncertain significance for Usher syndrome type 1F. Last evaluated: 2023-01-24. Review status: criteria provided, single submitter. Criteria: ACMG Guidelines, 2015. Collection method: curation. Allele origin: germline. Inheritance: Autosomal recessive inheritance.
Comment: The p.Arg278His variant in PCDH15 has been reported in 3 individuals with Usher syndrome type 1F (PMID: 23967202, 30245029, 24164807), segregated with disease in 2 affected relatives from 1 family (PMID: 24164807) and has been identified in 0.01% (3/24966) of African/African American chromosomes by the Genome Aggregation Database (gnomAD; dbSNP ID: rs369442293). Although this variant has been seen in the general population in a heterozygous state, its frequency is not high enough to rule out a pathogenic role. This variant has also been reported in ClinVar (Variation ID#: 523753) and has been interpreted as a variant of uncertain significance by Invitae and Illumina Laboratory Services. Of the 3 affected individuals, 1 was a compound heterozygote that carried a reported pathogenic variant in trans, which increases the likelihood that the p.Arg278His variant is pathogenic (VariationID: 4928; PMID: 24164807). Computational prediction tools, including splice predictors, and conservation analyses suggest that this variant may not impact the protein, though this information is not predictive enough to rule out pathogenicity. In summary, the clinical significance of the p.Arg278His variant is uncertain. ACMG/AMP Criteria applied: PM3, BP4, PP1 (Richards 2015).

Labcorp Genetics (formerly Invitae), Labcorp
Classification: Uncertain significance. Last evaluated: 2022-11-01. Review status: criteria provided, single submitter. Criteria: Invitae Variant Classification Sherloc (09022015). Collection method: clinical testing. Allele origin: germline.
Comment: This sequence change replaces arginine, which is basic and polar, with histidine, which is basic and polar, at codon 278 of the PCDH15 protein (p.Arg278His). This variant is present in population databases (rs369442293, gnomAD 0.01%). This variant has not been reported in the literature in individuals affected with PCDH15-related conditions. ClinVar contains an entry for this variant (Variation ID: 523753). Advanced modeling of protein sequence and biophysical properties (such as structural, functional, and spatial information, amino acid conservation, physicochemical variation, residue mobility, and thermodynamic stability) performed at Invitae indicates that this missense variant is not expected to disrupt PCDH15 protein function. In summary, the available evidence is currently insufficient to determine the role of this variant in disease. Therefore, it has been classified as a Variant of Uncertain Significance.

Women's Health and Genetics/Laboratory Corporation of America, LabCorp
Classification: Uncertain significance. Last evaluated: 2022-05-04. Review status: criteria provided, single submitter. Criteria: LabCorp Variant Classification Summary - May 2015. Collection method: clinical testing. Allele origin: germline.
Comment: Variant summary: PCDH15 c.833G>A (p.Arg278His) results in a non-conservative amino acid change located in the Cadherin-like domain (IPR002126) of the encoded protein sequence. Four of five in-silico tools predict a damaging effect of the variant on protein function. The variant allele was found at a frequency of 3.2e-05 in 251632 control chromosomes (gnomAD and publication data). The available data on variant occurrences in the general population are insufficient to allow any conclusion about variant significance. c.833G>A has been reported in the literature in individuals with hearing loss (Miyagawa_2013, Mutai_2013). These reports do not provide unequivocal conclusions about association of the variant with Usher Syndrome Type 1F. To our knowledge, no experimental evidence demonstrating an impact on protein function has been reported. Two ClinVar submitters (evaluation after 2014) cite the variant as uncertain significance. Based on the evidence outlined above, the variant was classified as uncertain significance.

Fulgent Genetics
Classification: Uncertain significance for Usher syndrome type 1D; Usher syndrome type 1F; Autosomal recessive nonsyndromic hearing loss 23. Last evaluated: 2021-08-30. Review status: criteria provided, single submitter. Criteria: ACMG Guidelines, 2015. Collection method: clinical testing. Allele origin: unknown.

Illumina Laboratory Services, Illumina
Classification: Uncertain significance for Usher syndrome type 1. Last evaluated: 2017-04-27. Review status: criteria provided, single submitter. Criteria: ICSL Variant Classification Criteria 13 December 2019. Collection method: clinical testing. Allele origin: germline.

Literature cited by the submitters: PubMed 23967202 (cited by Women's Health and Genetics/Laboratory Corporation of America, LabCorp); PubMed 30245029 (cited by Women's Health and Genetics/Laboratory Corporation of America, LabCorp); PubMed 28847902 (cited by Women's Health and Genetics/Laboratory Corporation of America, LabCorp); PubMed 24164807 (cited by Women's Health and Genetics/Laboratory Corporation of America, LabCorp).

NM_001384140.1(PCDH15):c.833G>A (p.Arg278His)

Gene: PCDH15 (protocadherin related 15; minus strand). Cytogenetic location: 10q21.1.
Variant type: single nucleotide variant.
Coding change: c.833G>A on transcript NM_001384140.1 (MANE Select); coding-DNA position 833, G replaced by A.
Protein change: p.Arg278His; replaces arginine 278 with histidine.
Molecular consequence: missense variant.
Genome position (GRCh38, 1-based): chr10:54,317,314, C>T on the plus strand (G>A on the coding strand, the complement: PCDH15 is on the minus strand). VCF-style: chr10-54317314-C-T. GRCh37 (hg19) VCF-style: chr10-56077074-C-T.
Other names: NM_001384140.1(PCDH15):c.833G>A; p.Arg278His; c.848G>A, p.Arg283His (NM_001142763.2, NM_001142769.4, NM_001142771.2); c.833G>A, p.Arg278His (NM_001142764.2, NM_001142765.2, NM_001142766.2 and 7 more transcripts); c.722G>A, p.Arg241His (NM_001142767.2); c.767G>A, p.Arg256His (NM_001142768.2, NM_001142773.2, NM_001354404.2); short protein forms R278H, R283H, R241H, R256H.
Identifiers: ClinVar variation 523753 (VCV000523753.16), dbSNP rs369442293, ClinGen allele CA5506586.